The following is an entry in ClinVar:

NM_000391.4(TPP1):c.381-10dup

Gene: TPP1 (tripeptidyl peptidase 1; minus strand). Cytogenetic location: 11p15.4.
Variant type: Duplication.
Coding change: c.381-10dup on transcript NM_000391.4 (MANE Select); 10 bases into the intron before coding-DNA position 381, one base duplicated (T; older notation c.381-10dupT).
Molecular consequence: intron variant.
Genome position (GRCh38, 1-based): chr11:6,617,438, A duplicated on the plus strand (T on the coding strand, the reverse complement: TPP1 is on the minus strand). VCF-style (leftmost placement, unchanged base first): chr11-6617437-C-CA. GRCh37 (hg19) VCF-style: chr11-6638668-C-CA.
Other names: c.381-10dupT (NM_000391.4, NM_000391.3).
Identifiers: ClinVar variation 197664 (VCV000197664.27), dbSNP rs146315473, ClinGen allele CA303015.

ClinVar aggregate classification (germline): Benign. Review status: criteria provided, multiple submitters, no conflicts (2 of 4 stars). 10 submissions from 10 submitters: Benign (7). 3 of the submissions do not count toward it. Last evaluated 2026-02-03.

Conditions:
Neuronal ceroid lipofuscinosis. Also called: Neuronal Ceroid Lipofuscinoses. Identifiers: Orphanet 216, Orphanet 79263, MedGen C0027877, MONDO:0016295. Disease mechanism: loss of function.
Neuronal ceroid lipofuscinosis 2. Also called: TPP1-Related Neuronal Ceroid-Lipofuscinosis; JANSKY-BIELSCHOWSKY DISEASE NEURONAL CEROID LIPOFUSCINOSIS, LATE INFANTILE. Identifiers: Orphanet 168491, Orphanet 228349, Orphanet 79264, MedGen C1876161, MONDO:0008769, OMIM 204500.

Allele frequency attached by ClinVar (database versions not stated): gnomAD exomes 0.00259 and 0.00689; ExAC 0.00855; gnomAD 0.02566 and 0.02726; TOPMed 0.02927; ESP Exome Variant Server 0.03172; 1000 Genomes Project 0.03215; 1000 Genomes Project 30x 0.03451.

Submissions (10):

Labcorp Genetics (formerly Invitae), Labcorp
Classification: Benign. Last evaluated: 2026-02-03. Review status: criteria provided, single submitter. Criteria: Invitae Variant Classification Sherloc (09022015). Collection method: clinical testing. Allele origin: germline.

Department of Pathology and Laboratory Medicine, Sinai Health System
Classification: Benign for neuronal ceroid lipofuscinosis. Last evaluated: 2023-04-19. Review status: criteria provided, single submitter. Criteria: ACMG Guidelines, 2015. Collection method: research. Allele origin: germline.

Women's Health and Genetics/Laboratory Corporation of America, LabCorp
Classification: Benign. Last evaluated: 2022-10-24. Review status: criteria provided, single submitter. Criteria: LabCorp Variant Classification Summary - May 2015. Collection method: clinical testing. Allele origin: germline.
Comment: Variant summary: TPP1 c.381-10dupT alters a nucleotide located close to a canonical splice site and therefore could affect mRNA splicing, leading to a significantly altered protein sequence. 4/4 computational tools predict no significant impact on normal splicing. However, these predictions have yet to be confirmed by functional studies. The variant allele was found at a frequency of 0.0089 in 282666 control chromosomes, predominantly at a frequency of 0.089 within the African or African-American subpopulation in the gnomAD database, including 102 homozygotes. The observed variant frequency within African or African-American control individuals in the gnomAD database is approximately 45 fold of the estimated maximal expected allele frequency for a pathogenic variant in TPP1 causing Neuronal Ceroid-Lipofuscinosis (Batten Disease) phenotype (0.002), strongly suggesting that the variant is a benign polymorphism found primarily in populations of African or African-American origin. To our knowledge, no occurrence of c.381-10dupT in individuals affected with Neuronal Ceroid-Lipofuscinosis (Batten Disease) and no experimental evidence demonstrating its impact on protein function have been reported. Seven ClinVar submitters (evaluation after 2014) cite the variant as benign (n=5), likely benign (n=1) and likely pathogenic (n=1). Based on the evidence outlined above, the variant was classified as benign.

Athena Diagnostics
Classification: Benign. Last evaluated: 2018-11-28. Review status: criteria provided, single submitter. Criteria: Athena Diagnostics Criteria. Collection method: clinical testing. Allele origin: germline.

GeneDx
Classification: Benign. Last evaluated: 2018-06-12. Review status: criteria provided, single submitter. Criteria: GeneDx Variant Classification Process June 2021. Collection method: clinical testing. Allele origin: germline. Affected: yes.

Eurofins Ntd Llc (ga)
Classification: Benign. Last evaluated: 2014-09-03. Review status: criteria provided, single submitter. Criteria: EGL Classification Definitions. Collection method: clinical testing. Allele origin: germline. Observed: 1 variant allele, 1 heterozygote.

PreventionGenetics, part of Exact Sciences
Classification: Benign. Review status: criteria provided, single submitter. Criteria: ACMG Guidelines, 2015. Collection method: clinical testing. Allele origin: germline.

Natera, Inc.
Classification: Benign for Neuronal ceroid lipofuscinosis 2. Last evaluated: 2020-09-16. Review status: no assertion criteria provided. Collection method: clinical testing. Allele origin: germline. Not counted in ClinVar's aggregate classification.

Foundation for Research in Genetics and Endocrinology, FRIGE's Institute of Human Genetics
Classification: Likely pathogenic for Neuronal ceroid lipofuscinosis 2. Last evaluated: 2018-02-05. Review status: no assertion criteria provided. Collection method: clinical testing. Allele origin: germline. Inheritance: Autosomal recessive inheritance. Affected: yes. Observed: 2 homozygotes. Clinical features observed: Seizure (HP:0001250), Visual impairment (HP:0000505), Cerebellar atrophy (HP:0001272), Cerebral atrophy (HP:0002059), Global developmental delay (HP:0001263), Optic atrophy (HP:0000648), Macular dystrophy (HP:0007754), Mental deterioration (HP:0001268), Hypertonia (HP:0001276), Generalized myoclonic seizure (HP:0002123). Not counted in ClinVar's aggregate classification.
Comment: The observed variant g.7024dupT was neither found in 1000 Genomes nor in ExAC databases. The in-silico prediction of the given variant is disease causing by MutationTaster2.

Mayo Clinic Laboratories, Mayo Clinic
Classification: Benign. Last evaluated: 2017-08-30. Review status: no assertion criteria provided. Collection method: clinical testing. Allele origin: unknown. Not counted in ClinVar's aggregate classification.